The following is an entry in ClinVar:

ClinVar aggregate classification (germline): Uncertain significance. Review status: criteria provided, multiple submitters, no conflicts (2 of 4 stars). 2 submissions from 2 submitters: Uncertain significance (2). Last evaluated 2025-09-14.

Conditions:
Hereditary cancer-predisposing syndrome. Also called: Neoplastic Syndromes, Hereditary; Tumor predisposition; Hereditary Cancer Syndrome; Hereditary neoplastic syndrome. Identifiers: Orphanet 140162, MedGen C0027672, MeSH D009386, MONDO:0015356.
Multiple endocrine neoplasia, type 2 (MEN2). Identifiers: Orphanet 653, MedGen C4048306, MONDO:0019003. Disease mechanism: gain of function.

Submissions (2):

Labcorp Genetics (formerly Invitae), Labcorp
Classification: Uncertain significance for Multiple endocrine neoplasia, type 2. Last evaluated: 2025-09-14. Review status: criteria provided, single submitter. Criteria: Invitae Variant Classification Sherloc (09022015). Collection method: clinical testing. Allele origin: germline.
Comment: This sequence change replaces isoleucine, which is neutral and non-polar, with threonine, which is neutral and polar, at codon 669 of the RET protein (p.Ile669Thr). This variant is not present in population databases (gnomAD no frequency). This variant has not been reported in the literature in individuals affected with RET-related conditions. An algorithm developed to predict the effect of missense changes on protein structure and function (PolyPhen-2) suggests that this variant is likely to be disruptive. In summary, the available evidence is currently insufficient to determine the role of this variant in disease. Therefore, it has been classified as a Variant of Uncertain Significance.

Ambry Genetics
Classification: Uncertain significance for Hereditary cancer-predisposing syndrome. Last evaluated: 2025-08-01. Review status: criteria provided, single submitter. Criteria: Ambry Variant Classification Scheme 2023. Collection method: clinical testing. Allele origin: germline.
Comment: The p.I669T variant (also known as c.2006T>C), located in coding exon 11 of the RET gene, results from a T to C substitution at nucleotide position 2006. The isoleucine at codon 669 is replaced by threonine, an amino acid with similar properties. This amino acid position is conserved. In addition, the in silico prediction for this alteration is inconclusive. Based on the available evidence, the clinical significance of this variant remains unclear.

NM_020975.6(RET):c.2006T>C (p.Ile669Thr)

Gene: RET (ret proto-oncogene; plus strand). Cytogenetic location: 10q11.21.
Variant type: single nucleotide variant.
Coding change: c.2006T>C on transcript NM_020975.6 (MANE Select); coding-DNA position 2006, T replaced by C.
Protein change: p.Ile669Thr; replaces isoleucine 669 with threonine.
Molecular consequence: missense variant. On other transcripts: intron variant (4).
Genome position (GRCh38, 1-based): chr10:43,114,606, T>C. VCF-style: chr10-43114606-T-C. GRCh37 (hg19) VCF-style: chr10-43610054-T-C.
Other names: c.1244T>C, p.Ile415Thr (NM_001355216.2); c.2006T>C, p.Ile669Thr (NM_001406743.1, NM_001406744.1, NM_001406759.1 and 2 more transcripts); c.1877T>C, p.Ile626Thr (NM_001406761.1, NM_001406762.1, NM_001406764.1); c.1718T>C, p.Ile573Thr (NM_001406766.1, NM_001406767.1, NM_001406770.1); c.1610T>C, p.Ile537Thr (NM_001406769.1, NM_001406772.1); c.1568T>C, p.Ile523Thr (NM_001406771.1, NM_001406773.1); c.1481T>C, p.Ile494Thr (NM_001406774.1); c.1280T>C, p.Ile427Thr (NM_001406775.1, NM_001406776.1, NM_001406777.1 and 1 more transcripts); and 10 more; short protein forms I370T, I415T, I573T, I669T, I186T, I234T, I274T, I327T.
Identifiers: ClinVar variation 4152772 (VCV004152772.2).